The following is an entry in ClinVar:

NM_001312673.2(PCYT1A):c.926G>A (p.Arg309Gln)

Gene: PCYT1A (phosphate cytidylyltransferase 1A, choline; minus strand). Cytogenetic location: 3q29.
Variant type: single nucleotide variant.
Coding change: c.926G>A on transcript NM_001312673.2 (MANE Select); coding-DNA position 926, G replaced by A.
Protein change: p.Arg309Gln; replaces arginine 309 with glutamine.
Molecular consequence: missense variant.
Genome position (GRCh38, 1-based): chr3:196,238,866, C>T on the plus strand (G>A on the coding strand, the complement: PCYT1A is on the minus strand). VCF-style: chr3-196238866-C-T. GRCh37 (hg19) VCF-style: chr3-195965737-C-T.
Other names: c.926G>A, p.Arg309Gln (NM_005017.4); short protein forms R309Q.
Identifiers: ClinVar variation 1058734 (VCV001058734.2), dbSNP rs973487210, ClinGen allele CA90850021.

ClinVar aggregate classification (germline): Uncertain significance (1 of 4 stars; one submission).

Allele frequency attached by ClinVar (database versions not stated): TOPMed 0.00002; gnomAD 0.00003.
gnomAD v4.1: 59 of 1,473,080 alleles (0.004%); highest among the groups gnomAD compares: Non-Finnish European, 0.0052%; no homozygotes.

Submission:

Labcorp Genetics (formerly Invitae), Labcorp
Classification: Uncertain significance. Last evaluated: 2022-06-27. Review status: criteria provided, single submitter. Criteria: Invitae Variant Classification Sherloc (09022015). Collection method: clinical testing. Allele origin: germline.
Comment: This sequence change replaces arginine, which is basic and polar, with glutamine, which is neutral and polar, at codon 309 of the PCYT1A protein (p.Arg309Gln). The frequency data for this variant in the population databases is considered unreliable, as metrics indicate poor data quality at this position in the gnomAD database. This variant has not been reported in the literature in individuals affected with PCYT1A-related conditions. ClinVar contains an entry for this variant (Variation ID: 1058734). Advanced modeling of protein sequence and biophysical properties (such as structural, functional, and spatial information, amino acid conservation, physicochemical variation, residue mobility, and thermodynamic stability) performed at Invitae indicates that this missense variant is not expected to disrupt PCYT1A protein function. In summary, the available evidence is currently insufficient to determine the role of this variant in disease. Therefore, it has been classified as a Variant of Uncertain Significance.